The following is an entry in ClinVar:

NM_006514.4(SCN10A):c.2382G>A (p.Leu794=)

Gene: SCN10A (sodium voltage-gated channel alpha subunit 10; minus strand). Cytogenetic location: 3p22.2.
Variant type: single nucleotide variant.
Coding change: c.2382G>A on transcript NM_006514.4 (MANE Select); coding-DNA position 2382, G replaced by A.
Protein change: p.Leu794=; no amino-acid change (leucine 794 retained).
Molecular consequence: synonymous variant.
Genome position (GRCh38, 1-based): chr3:38,728,800, C>T on the plus strand (G>A on the coding strand, the complement: SCN10A is on the minus strand). VCF-style: chr3-38728800-C-T. GRCh37 (hg19) VCF-style: chr3-38770291-C-T.
Other names: c.2382G>A, p.Leu794= (NM_001293306.2); c.2088G>A, p.Leu696= (NM_001293307.2).
Identifiers: ClinVar variation 390934 (VCV000390934.3), dbSNP rs1057523925, ClinGen allele CA16604929.

ClinVar aggregate classification (germline): Likely benign. Review status: criteria provided, multiple submitters, no conflicts (2 of 4 stars). 2 submissions from 2 submitters: Likely benign (2). Last evaluated 2019-07-11.

Conditions:
Cardiovascular phenotype. Identifiers: MedGen CN230736.

Allele frequency attached by ClinVar (database versions not stated): gnomAD exomes below 0.00001.
gnomAD v4.1: 2 of 1,614,142 alleles (0.00012%); highest among the groups gnomAD compares: Admixed American, 0.0017%; no homozygotes.

Submissions (2):

Ambry Genetics
Classification: Likely benign for Cardiovascular phenotype. Last evaluated: 2019-07-11. Review status: criteria provided, single submitter. Criteria: Ambry Variant Classification Scheme 2023. Collection method: clinical testing. Allele origin: germline.

GeneDx
Classification: Likely benign. Last evaluated: 2016-11-28. Review status: criteria provided, single submitter. Criteria: GeneDx Variant Classification (06012015). Collection method: clinical testing. Allele origin: germline. Affected: yes.
Comment: This variant is considered likely benign or benign based on one or more of the following criteria: it is a conservative change, it occurs at a poorly conserved position in the protein, it is predicted to be benign by multiple in silico algorithms, and/or has population frequency not consistent with disease.